The following is an entry in ClinVar:

NM_001174089.2(SLC4A11):c.2192+1G>A

Gene: SLC4A11 (solute carrier family 4 member 11; minus strand). Cytogenetic location: 20p13.
Variant type: single nucleotide variant.
Coding change: c.2192+1G>A on transcript NM_001174089.2 (MANE Select); the canonical splice donor site of the intron after coding-DNA position 2192, G replaced by A.
Molecular consequence: splice donor variant.
Genome position (GRCh38, 1-based): chr20:3,228,837, C>T on the plus strand (G>A on the coding strand, the complement: SLC4A11 is on the minus strand). VCF-style: chr20-3228837-C-T. GRCh37 (hg19) VCF-style: chr20-3209483-C-T.
Other names: c.2135+1G>A (NM_001400277.1, NM_001400278.1, NM_001400279.1); c.2078+1G>A (NM_001363745.2); c.2207+1G>A (NM_001400280.1); c.2321+1G>A (NM_001174090.2); c.2240+1G>A (NM_032034.4).
Identifiers: ClinVar variation 855486 (VCV000855486.14), dbSNP rs759540763, ClinGen allele CA9741561.

ClinVar aggregate classification (germline): Pathogenic/Likely pathogenic. Review status: criteria provided, multiple submitters, no conflicts (2 of 4 stars). 6 submissions from 6 submitters: Pathogenic (3); Likely pathogenic (3). Last evaluated 2024-12-21.

Conditions:
Corneal dystrophy, Fuchs endothelial, 4 (FECD4). Identifiers: Orphanet 98974, MedGen C2750450, MONDO:0013204, OMIM 613268.
Congenital hereditary endothelial dystrophy of cornea. Also called: CORNEAL DYSTROPHY, CONGENITAL HEREDITARY ENDOTHELIAL; Congenital hereditary endothelial dystrophy of the cornea; Maumenee corneal dystrophy; Corneal endothelial dystrophy, autosomal recessive; Congenital hereditary endothelial dystrophy type II. Identifiers: Orphanet 293603, MedGen C1857569, MONDO:0009019, OMIM 217700.
Corneal dystrophy-perceptive deafness syndrome (CDPD). Also called: HARBOYAN SYNDROME; CORNEAL DYSTROPHY AND SENSORINEURAL DEAFNESS. Identifiers: Orphanet 1490, MedGen C1857572, MONDO:0009015, OMIM 217400.
SLC4A11-related disorder. Also called: SLC4A11-related condition.

Allele frequency attached by ClinVar (database versions not stated): gnomAD exomes 0.00002; ExAC 0.00003; gnomAD 0.00005; TOPMed 0.00006.
gnomAD v4.1: 121 of 1,613,664 alleles (0.0075%); highest among the groups gnomAD compares: Non-Finnish European, 0.0091%; no homozygotes.

Submissions (8):

PreventionGenetics, part of Exact Sciences
Classification: Pathogenic for SLC4A11-related condition. Last evaluated: 2024-12-21. Review status: criteria provided, single submitter. Criteria: ACMG Guidelines, 2015. Collection method: clinical testing. Allele origin: germline.
Comment: The SLC4A11 c.2240+1G>A variant is predicted to disrupt the GT donor site and interfere with normal splicing. This variant has been reported in the homozygous state to be causative for corneal endothelial dystrophy (CHED) (Paliwal et al. 2010. PubMed ID: 21203343). In addition, this variant was reported in the heterozygous state in a patient with CHED but a second pathogenic variant was not found (Ramprasad et al. 2007. PubMed ID: 17397048). This variant is reported in 0.0040% of alleles in individuals of African descent in gnomAD. Variants that disrupt the consensus splice donor site in SLC4A11 are expected to be pathogenic. This variant is interpreted as pathogenic.

Natera, Inc.
Classification: Likely pathogenic for Corneal dystrophy-perceptive deafness syndrome. Last evaluated: 2024-12-19. Review status: criteria provided, single submitter. Criteria: Natera Variant Classification Schema (03/2026). Collection method: clinical testing. Allele origin: germline.
Comment: The c.2240+1G>A variant in SLC4A11 is a canonical splice donor site variant predicted to affect pre-mRNA splicing, which may result in an abnormal transcript and altered protein product. This variant may result in a truncated or dysfunctional protein product. This variant is rare in the general population with a frequency below the threshold expected for the associated phenotype(s). This variant has been observed in one or more individuals affected with the associated recessive disease, as either homozygous or compound heterozygous with a second variant (PMID: 31323090, 21203343). Additionally, this variant has been observed to segregate in affected family members (PMID: 21203343). Given the available evidence, this variant is classified as Likely Pathogenic.

Labcorp Genetics (formerly Invitae), Labcorp
Classification: Likely pathogenic. Last evaluated: 2024-05-06. Review status: criteria provided, single submitter. Criteria: Invitae Variant Classification Sherloc (09022015). Collection method: clinical testing. Allele origin: germline.
Comment: This sequence change affects a donor splice site in intron 16 of the SLC4A11 gene. It is expected to disrupt RNA splicing. Variants that disrupt the donor or acceptor splice site typically lead to a loss of protein function (PMID: 16199547), and loss-of-function variants in SLC4A11 are known to be pathogenic (PMID: 17220209, 17679935). This variant is present in population databases (rs759540763, gnomAD 0.004%). Disruption of this splice site has been observed in individual(s) with SLC4A11-related conditions (PMID: 17397048, 21203343). ClinVar contains an entry for this variant (Variation ID: 855486). Algorithms developed to predict the effect of sequence changes on RNA splicing suggest that this variant may disrupt the consensus splice site. In summary, the currently available evidence indicates that the variant is pathogenic, but additional data are needed to prove that conclusively. Therefore, this variant has been classified as Likely Pathogenic.

Centre for Inherited Metabolic Diseases, Karolinska University Hospital
Classification: Pathogenic for Congenital hereditary endothelial dystrophy of cornea. Last evaluated: 2023-10-17. Review status: criteria provided, single submitter. Criteria: ACMG Guidelines, 2015. Collection method: clinical testing. Allele origin: inherited. Inheritance: Autosomal recessive inheritance. Affected: yes. Observed: 1 compound heterozygote.

Fulgent Genetics
Classification: Likely pathogenic for Corneal dystrophy-perceptive deafness syndrome; Congenital hereditary endothelial dystrophy of cornea; Corneal dystrophy, Fuchs endothelial, 4. Last evaluated: 2021-07-14. Review status: criteria provided, single submitter. Criteria: ACMG Guidelines, 2015. Collection method: clinical testing. Allele origin: unknown.

Blueprint Genetics
Classification: Pathogenic for SLC4A11-related disorders. Last evaluated: 2021-01-15. Review status: criteria provided, single submitter. Criteria: ACMG Guidelines, 2015. Collection method: clinical testing. Allele origin: germline. Affected: yes. Observed: 4 variant alleles.

Dr. Peter K. Rogan Lab, Western University
No classification provided (evidence only). Condition: Thyroid cancer, nonmedullary, 1. Review status: no classification provided. Collection method: in vitro. Allele origin: not applicable. Functional consequence: retained intron. Not counted in ClinVar's aggregate classification.

Dr. Peter K. Rogan Lab, Western University
No classification provided (evidence only). Condition: Thyroid cancer, nonmedullary, 1. Review status: no classification provided. Collection method: in vitro. Allele origin: not applicable. Functional consequence: retained intron. Not counted in ClinVar's aggregate classification.

Literature cited by the submitters: PubMed 31323090 (cited by Natera, Inc.); PubMed 21203343 (cited by Natera, Inc. and Labcorp Genetics (formerly Invitae), Labcorp); PubMed 16199547 (cited by Labcorp Genetics (formerly Invitae), Labcorp); PubMed 17220209 (cited by Labcorp Genetics (formerly Invitae), Labcorp); PubMed 17679935 (cited by Labcorp Genetics (formerly Invitae), Labcorp); PubMed 17397048 (cited by Labcorp Genetics (formerly Invitae), Labcorp).